The following is an entry in ClinVar:

NM_001148.6(ANK2):c.4147G>C (p.Val1383Leu)

Gene: ANK2 (ankyrin 2; plus strand). Cytogenetic location: 4q26.
Variant type: single nucleotide variant.
Coding change: c.4147G>C on transcript NM_001148.6 (MANE Select); coding-DNA position 4147, G replaced by C.
Protein change: p.Val1383Leu; replaces valine 1383 with leucine.
Molecular consequence: missense variant.
Genome position (GRCh38, 1-based): chr4:113,343,041, G>C. VCF-style: chr4-113343041-G-C. GRCh37 (hg19) VCF-style: chr4-114264197-G-C.
Other names: c.4189G>C, p.Val1397Leu (NM_001354231.2, NM_001354242.2); c.4183G>C, p.Val1395Leu (NM_001354232.2); c.4144G>C, p.Val1382Leu (NM_001354235.2, NM_001354246.2, NM_001354265.2); c.4045G>C, p.Val1349Leu (NM_001354236.2); c.4225G>C, p.Val1409Leu (NM_001354237.2); c.4117G>C, p.Val1373Leu (NM_001354239.2, NM_001354252.2); c.4192G>C, p.Val1398Leu (NM_001354240.2, NM_001354241.2, NM_001386144.1); c.4084G>C, p.Val1362Leu (NM_001354243.2, NM_001354255.2, NM_001386143.1); and 31 more; short protein forms V1288L, V1296L, V1316L, V1336L, V1340L, V1361L, V1362L, V1378L.
Identifiers: ClinVar variation 1381989 (VCV001381989.8), dbSNP rs764532145, ClinGen allele CA357910894.

ClinVar aggregate classification (germline): Uncertain significance. Review status: criteria provided, multiple submitters, no conflicts (2 of 4 stars). 2 submissions from 2 submitters: Uncertain significance (2). Last evaluated 2022-10-05.

Conditions:
Long QT syndrome (LQTS). Identifiers: MedGen C0023976, MeSH D008133, MONDO:0002442. Disease mechanism: loss of function. Inheritance: Various modes of inheritance.
Cardiovascular phenotype. Identifiers: MedGen CN230736.

gnomAD v4.1: 6 of 1,613,764 alleles (0.00037%); highest among the groups gnomAD compares: Non-Finnish European, 0.00051%; no homozygotes.

Submissions (2):

Ambry Genetics
Classification: Uncertain significance for Cardiovascular phenotype. Last evaluated: 2022-10-05. Review status: criteria provided, single submitter. Criteria: Ambry Variant Classification Scheme 2023. Collection method: clinical testing. Allele origin: germline.
Comment: The p.V1383L variant (also known as c.4147G>C), located in coding exon 34 of the ANK2 gene, results from a G to C substitution at nucleotide position 4147. The valine at codon 1383 is replaced by leucine, an amino acid with highly similar properties. This variant has been detected in a long QT syndrome cohort (Gibbs C et al. J Am Heart Assoc, 2018 08;7:e009706). This amino acid position is well conserved in available vertebrate species. In addition, the in silico prediction for this alteration is inconclusive. Since supporting evidence is limited at this time, the clinical significance of this alteration remains unclear.

Labcorp Genetics (formerly Invitae), Labcorp
Classification: Uncertain significance for Long QT syndrome. Last evaluated: 2022-08-23. Review status: criteria provided, single submitter. Criteria: Invitae Variant Classification Sherloc (09022015). Collection method: clinical testing. Allele origin: germline.
Comment: In summary, the available evidence is currently insufficient to determine the role of this variant in disease. Therefore, it has been classified as a Variant of Uncertain Significance. Algorithms developed to predict the effect of missense changes on protein structure and function are either unavailable or do not agree on the potential impact of this missense change (SIFT: "Tolerated"; PolyPhen-2: "Probably Damaging"; Align-GVGD: "Class C0"). ClinVar contains an entry for this variant (Variation ID: 1381989). This variant has not been reported in the literature in individuals affected with ANK2-related conditions. This variant is not present in population databases (gnomAD no frequency). This sequence change replaces valine, which is neutral and non-polar, with leucine, which is neutral and non-polar, at codon 1383 of the ANK2 protein (p.Val1383Leu).

Literature cited by the submitters: PubMed 30369311 (cited by Ambry Genetics).